The following is an entry in ClinVar:

NM_001164508.2(NEB):c.21287A>G (p.Lys7096Arg)

Gene: NEB (nebulin; minus strand). Cytogenetic location: 2q23.3.
Variant type: single nucleotide variant.
Coding change: c.21287A>G on transcript NM_001164508.2 (MANE Select); coding-DNA position 21287, A replaced by G.
Protein change: p.Lys7096Arg; replaces lysine 7096 with arginine.
Molecular consequence: missense variant.
Genome position (GRCh38, 1-based): chr2:151,535,716, T>C on the plus strand (A>G on the coding strand, the complement: NEB is on the minus strand). VCF-style: chr2-151535716-T-C. GRCh37 (hg19) VCF-style: chr2-152392230-T-C.
Other names: c.21287A>G, p.Lys7096Arg (NM_001164507.2, NM_001271208.2); c.16184A>G, p.Lys5395Arg (NM_004543.5); short protein forms K5395R, K7096R.
Identifiers: ClinVar variation 1719770 (VCV001719770.3), dbSNP rs2153534529, ClinGen allele CA348772803.

ClinVar aggregate classification (germline): Uncertain significance (1 of 4 stars; one submission).

Conditions:
Nemaline myopathy 2 (NEM2). Also called: Nemaline myopathy 2, autosomal recessive. Identifiers: MedGen C1850569, MONDO:0009725, OMIM 256030.

Allele frequency attached by ClinVar (database versions not stated): gnomAD exomes below 0.00001.
gnomAD v4.1: 1 of 1,608,574 alleles (0.000062%); highest among the groups gnomAD compares: Non-Finnish European, 0.000085%; no homozygotes.

Submission:

Labcorp Genetics (formerly Invitae), Labcorp
Classification: Uncertain significance for Nemaline myopathy 2. Last evaluated: 2022-09-19. Review status: criteria provided, single submitter. Criteria: Invitae Variant Classification Sherloc (09022015). Collection method: clinical testing. Allele origin: germline.
Comment: This sequence change replaces lysine, which is basic and polar, with arginine, which is basic and polar, at codon 7096 of the NEB protein (p.Lys7096Arg). This variant is not present in population databases (gnomAD no frequency). This variant has not been reported in the literature in individuals affected with NEB-related conditions. Algorithms developed to predict the effect of missense changes on protein structure and function are either unavailable or do not agree on the potential impact of this missense change (SIFT: "Deleterious"; PolyPhen-2: "Not Available"; Align-GVGD: "Class C0"). Algorithms developed to predict the effect of sequence changes on RNA splicing suggest that this variant may disrupt the consensus splice site. In summary, the available evidence is currently insufficient to determine the role of this variant in disease. Therefore, it has been classified as a Variant of Uncertain Significance.